The following is an entry in ClinVar:

NM_201384.3(PLEC):c.3017G>A (p.Arg1006His)

Gene: PLEC (plectin; minus strand). Cytogenetic location: 8q24.3.
Variant type: single nucleotide variant.
Coding change: c.3017G>A on transcript NM_201384.3 (MANE Select); coding-DNA position 3017, G replaced by A.
Protein change: p.Arg1006His; replaces arginine 1006 with histidine.
Molecular consequence: missense variant.
Genome position (GRCh38, 1-based): chr8:143,929,478, C>T on the plus strand (G>A on the coding strand, the complement: PLEC is on the minus strand). VCF-style: chr8-143929478-C-T. GRCh37 (hg19) VCF-style: chr8-145003646-C-T.
Other names: c.3098G>A, p.Arg1033His (NM_000445.5, NM_001410941.1); c.2975G>A, p.Arg992His (NM_201378.4); c.2951G>A, p.Arg984His (NM_201379.3); c.3428G>A, p.Arg1143His (NM_201380.4); c.2921G>A, p.Arg974His (NM_201381.3); c.3017G>A, p.Arg1006His (NM_201382.4); c.3029G>A, p.Arg1010His (NM_201383.3); short protein forms R1033H, R992H, R1143H, R1006H, R974H, R1010H, R984H.
Identifiers: ClinVar variation 3420266 (VCV003420266.2).

ClinVar aggregate classification (germline): Uncertain significance. Review status: criteria provided, multiple submitters, no conflicts (2 of 4 stars). 2 submissions from 2 submitters: Uncertain significance (2). Last evaluated 2025-12-02.

Conditions:
Epidermolysis bullosa simplex with nail dystrophy (EBS5D). Identifiers: MedGen C4225309, MONDO:0014661, OMIM 616487.
Epidermolysis bullosa simplex, Ogna type (EBS5A). Also called: Pidermolysis bullosa simplex 5A, Ogna type; EPIDERMOLYSIS BULLOSA SIMPLEX 5A, OGNA TYPE. Identifiers: Orphanet 79401, MedGen C0432317, MONDO:0007555, OMIM 131950.
Epidermolysis bullosa simplex 5B, with muscular dystrophy (EBS5B). Also called: Epidermolysis bullosa simplex with muscular dystrophy; EPIDERMOLYSIS BULLOSA SIMPLEX AND LIMB-GIRDLE MUSCULAR DYSTROPHY. Identifiers: Orphanet 257, MedGen C2931072, MONDO:0009181, OMIM 226670.
Autosomal recessive limb-girdle muscular dystrophy type 2Q (LGMDR17). Also called: MUSCULAR DYSTROPHY, LIMB-GIRDLE, AUTOSOMAL RECESSIVE 17. Identifiers: Orphanet 254361, MedGen C3150989, MONDO:0013390, OMIM 613723.
Epidermolysis bullosa simplex 5C, with pyloric atresia (EBS5C). Also called: PLEC-Related Epidermolysis Bullosa with Pyloric Atresia; Epidermolysis bullosa simplex with pyloric atresia; PLEC1-Related Epidermolysis Bullosa with Pyloric Atresia. Identifiers: Orphanet 158684, MedGen C2677349, MONDO:0012807, OMIM 612138.
Inborn genetic diseases. Identifiers: MedGen C0950123, MeSH D030342.

gnomAD v4.1: 10 of 1,602,528 alleles (0.00062%); highest among the groups gnomAD compares: African/African-American, 0.0027%; no homozygotes.

Submissions (2):

Labcorp Genetics (formerly Invitae), Labcorp
Classification: Uncertain significance for Autosomal recessive limb-girdle muscular dystrophy type 2Q; Epidermolysis bullosa simplex, Ogna type; Epidermolysis bullosa simplex with nail dystrophy; Epidermolysis bullosa simplex 5C, with pyloric atresia; Epidermolysis bullosa simplex 5B, with muscular dystrophy. Last evaluated: 2025-12-02. Review status: criteria provided, single submitter. Criteria: Invitae Variant Classification Sherloc (09022015). Collection method: clinical testing. Allele origin: germline.
Comment: This sequence change replaces arginine, which is basic and polar, with histidine, which is basic and polar, at codon 1033 of the PLEC protein (p.Arg1033His). The frequency data for this variant in the population databases is considered unreliable, as metrics indicate poor data quality at this position in the gnomAD database. This variant has not been reported in the literature in individuals affected with PLEC-related conditions. ClinVar contains an entry for this variant (Variation ID: 3420266). Invitae Evidence Modeling of protein sequence and biophysical properties (such as structural, functional, and spatial information, amino acid conservation, physicochemical variation, residue mobility, and thermodynamic stability) indicates that this missense variant is not expected to disrupt PLEC protein function with a negative predictive value of 80%. In summary, the available evidence is currently insufficient to determine the role of this variant in disease. Therefore, it has been classified as a Variant of Uncertain Significance.

Ambry Genetics
Classification: Uncertain significance for Inborn genetic diseases. Last evaluated: 2024-09-24. Review status: criteria provided, single submitter. Criteria: Ambry Variant Classification Scheme 2023. Collection method: clinical testing. Allele origin: germline.